The following is an entry in ClinVar:

NM_002335.4(LRP5):c.4660G>A (p.Ala1554Thr)

Gene: LRP5 (LDL receptor related protein 5; plus strand). Cytogenetic location: 11q13.2.
Variant type: single nucleotide variant.
Coding change: c.4660G>A on transcript NM_002335.4 (MANE Select); coding-DNA position 4660, G replaced by A.
Protein change: p.Ala1554Thr; replaces alanine 1554 with threonine.
Molecular consequence: missense variant.
Genome position (GRCh38, 1-based): chr11:68,448,882, G>A. VCF-style: chr11-68448882-G-A. GRCh37 (hg19) VCF-style: chr11-68216350-G-A.
Other names: c.2917G>A, p.Ala973Thr (NM_001291902.2); short protein forms A973T, A1554T.
Identifiers: ClinVar variation 3700115 (VCV003700115.2).

ClinVar aggregate classification (germline): Uncertain significance (1 of 4 stars; one submission).

gnomAD v4.1: 4 of 1,612,272 alleles (0.00025%); highest among the groups gnomAD compares: Non-Finnish European, 0.00034%; no homozygotes.

Submission:

Labcorp Genetics (formerly Invitae), Labcorp
Classification: Uncertain significance. Last evaluated: 2024-07-11. Review status: criteria provided, single submitter. Criteria: Invitae Variant Classification Sherloc (09022015). Collection method: clinical testing. Allele origin: germline.
Comment: This sequence change replaces alanine, which is neutral and non-polar, with threonine, which is neutral and polar, at codon 1554 of the LRP5 protein (p.Ala1554Thr). This variant is present in population databases (rs770169409, gnomAD 0.002%). This variant has not been reported in the literature in individuals affected with LRP5-related conditions. Advanced modeling of protein sequence and biophysical properties (such as structural, functional, and spatial information, amino acid conservation, physicochemical variation, residue mobility, and thermodynamic stability) performed at Invitae indicates that this missense variant is not expected to disrupt LRP5 protein function with a negative predictive value of 95%. In summary, the available evidence is currently insufficient to determine the role of this variant in disease. Therefore, it has been classified as a Variant of Uncertain Significance.